The following is an entry in ClinVar:

ClinVar aggregate classification (germline): Uncertain significance (1 of 4 stars; one submission).

Allele frequency attached by ClinVar (database versions not stated): gnomAD 0.00001; gnomAD exomes 0.00002 and 0.00003; ExAC 0.00003.
gnomAD v4.1: 26 of 1,519,998 alleles (0.0017%); highest among the groups gnomAD compares: South Asian, 0.035%; no homozygotes.

Submission:

Labcorp Genetics (formerly Invitae), Labcorp
Classification: Uncertain significance. Last evaluated: 2023-11-27. Review status: criteria provided, single submitter. Criteria: Invitae Variant Classification Sherloc (09022015). Collection method: clinical testing. Allele origin: germline.
Comment: This sequence change replaces serine, which is neutral and polar, with tyrosine, which is neutral and polar, at codon 270 of the DGAT1 protein (p.Ser270Tyr). This variant is present in population databases (rs781791106, gnomAD 0.03%). This variant has not been reported in the literature in individuals affected with DGAT1-related conditions. ClinVar contains an entry for this variant (Variation ID: 1404710). Advanced modeling of protein sequence and biophysical properties (such as structural, functional, and spatial information, amino acid conservation, physicochemical variation, residue mobility, and thermodynamic stability) performed at Invitae indicates that this missense variant is expected to disrupt DGAT1 protein function with a positive predictive value of 80%. In summary, the available evidence is currently insufficient to determine the role of this variant in disease. Therefore, it has been classified as a Variant of Uncertain Significance.

NM_012079.6(DGAT1):c.809C>A (p.Ser270Tyr)

Gene: DGAT1 (diacylglycerol O-acyltransferase 1; minus strand). Cytogenetic location: 8q24.3.
Variant type: single nucleotide variant.
Coding change: c.809C>A on transcript NM_012079.6 (MANE Select); coding-DNA position 809, C replaced by A.
Protein change: p.Ser270Tyr; replaces serine 270 with tyrosine.
Molecular consequence: missense variant.
Genome position (GRCh38, 1-based): chr8:144,317,960, G>T on the plus strand (C>A on the coding strand, the complement: DGAT1 is on the minus strand). VCF-style: chr8-144317960-G-T. GRCh37 (hg19) VCF-style: chr8-145541623-G-T.
Other names: short protein forms S270Y.
Identifiers: ClinVar variation 1404710 (VCV001404710.8), dbSNP rs781791106, ClinGen allele CA4936833.